The following is an entry in ClinVar:

NM_004370.6(COL12A1):c.1679C>T (p.Pro560Leu)

Gene: COL12A1 (collagen type XII alpha 1 chain; minus strand). Cytogenetic location: 6q13.
Variant type: single nucleotide variant.
Coding change: c.1679C>T on transcript NM_004370.6 (MANE Select); coding-DNA position 1679, C replaced by T.
Protein change: p.Pro560Leu; replaces proline 560 with leucine.
Molecular consequence: missense variant. On other transcripts: intron variant (1).
Genome position (GRCh38, 1-based): chr6:75,183,262, G>A on the plus strand (C>T on the coding strand, the complement: COL12A1 is on the minus strand). VCF-style: chr6-75183262-G-A. GRCh37 (hg19) VCF-style: chr6-75892978-G-A.
Other names: c.73+19458C>T (NM_080645.3); short protein forms P560L.
Identifiers: ClinVar variation 1382453 (VCV001382453.6), dbSNP rs2149465788, ClinGen allele CA364769014.

ClinVar aggregate classification (germline): Uncertain significance (1 of 4 stars; one submission).

Conditions:
Ullrich congenital muscular dystrophy 2 (UCMD2). Identifiers: Orphanet 75840, MedGen C4225314, MONDO:0014654, OMIM 616470.
Bethlem myopathy 2 (BTHLM2). Identifiers: Orphanet 536516, Orphanet 610, MedGen C4225313, MONDO:0034022, OMIM 616471.

Submission:

Labcorp Genetics (formerly Invitae), Labcorp
Classification: Uncertain significance for Bethlem myopathy 2; Ullrich congenital muscular dystrophy 2. Last evaluated: 2022-07-05. Review status: criteria provided, single submitter. Criteria: Invitae Variant Classification Sherloc (09022015). Collection method: clinical testing. Allele origin: germline.
Comment: This variant is not present in population databases (gnomAD no frequency). In summary, the available evidence is currently insufficient to determine the role of this variant in disease. Therefore, it has been classified as a Variant of Uncertain Significance. Algorithms developed to predict the effect of missense changes on protein structure and function are either unavailable or do not agree on the potential impact of this missense change (SIFT: "Deleterious"; PolyPhen-2: "Probably Damaging"; Align-GVGD: "Class C0"). ClinVar contains an entry for this variant (Variation ID: 1382453). This variant has not been reported in the literature in individuals affected with COL12A1-related conditions. This sequence change replaces proline, which is neutral and non-polar, with leucine, which is neutral and non-polar, at codon 560 of the COL12A1 protein (p.Pro560Leu).